The following is an entry in ClinVar:

ClinVar aggregate classification (germline): Likely benign (1 of 4 stars; one submission).

Conditions:
PKD1L1-related disorder. Also called: PKD1L1-related condition.

Submission:

PreventionGenetics, part of Exact Sciences
Classification: Likely benign for PKD1L1-related condition. Last evaluated: 2025-03-28. Review status: criteria provided, single submitter. Criteria: ACMG Guidelines, 2015. Collection method: clinical testing. Allele origin: germline.
Comment: This variant is classified as likely benign based on ACMG/AMP sequence variant interpretation guidelines (Richards et al. 2015 PMID: 25741868, with internal and published modifications).

NM_138295.5(PKD1L1):c.5181C>A (p.Leu1727=)

Gene: PKD1L1 (polycystin 1 like 1, transient receptor potential channel interacting; minus strand). Cytogenetic location: 7p12.3.
Variant type: single nucleotide variant.
Coding change: c.5181C>A on transcript NM_138295.5 (MANE Select); coding-DNA position 5181, C replaced by A.
Protein change: p.Leu1727=; no amino-acid change (leucine 1727 retained).
Molecular consequence: synonymous variant.
Genome position (GRCh38, 1-based): chr7:47,845,051, G>T on the plus strand (C>A on the coding strand, the complement: PKD1L1 is on the minus strand). VCF-style: chr7-47845051-G-T. GRCh37 (hg19) VCF-style: chr7-47884649-G-T.
Identifiers: ClinVar variation 4996769 (VCV004996769.1).